The following is an entry in ClinVar:

ClinVar aggregate classification (germline): Uncertain significance (1 of 4 stars; one submission).

Conditions:
Intellectual developmental disorder, autosomal dominant 45. Also called: MENTAL RETARDATION, AUTOSOMAL DOMINANT 45; Intellectual disability, autosomal dominant 45. Identifiers: MedGen C4539848, MONDO:0030910, OMIM 617600.

gnomAD v4.1: 1 of 1,613,866 alleles (0.000062%); highest among the groups gnomAD compares: Non-Finnish European, 0.000085%; no homozygotes.

Submission:

Juno Genomics, Hangzhou Juno Genomics, Inc
Classification: Uncertain significance for Intellectual developmental disorder, autosomal dominant 45. Review status: criteria provided, single submitter. Criteria: ACMG Guidelines, 2015. Collection method: clinical testing. Allele origin: germline.
Comment: Absent from controls (or at extremely low frequency if recessive) in Genome Aggregation Database.;Null variant in a gene where loss of function (LOF) is a known mechanism of disease.

NM_001386298.1(CIC):c.6196+1G>A

Gene: CIC (capicua transcriptional repressor; plus strand). Cytogenetic location: 19q13.2.
Variant type: single nucleotide variant.
Coding change: c.6196+1G>A on transcript NM_001386298.1 (MANE Select); the canonical splice donor site of the intron after coding-DNA position 6196, G replaced by A.
Molecular consequence: splice donor variant.
Genome position (GRCh38, 1-based): chr19:42,292,860, G>A. VCF-style: chr19-42292860-G-A. GRCh37 (hg19) VCF-style: chr19-42797012-G-A.
Other names: c.6196+1G>A (NM_001304815.2, NM_001439186.1, NM_001439183.1 and 6 more transcripts); c.3469+1G>A (NM_015125.5, NM_001379484.1, NM_001439190.1 and 2 more transcripts); c.3466+1G>A (NM_001439191.1).
Identifiers: ClinVar variation 5019496 (VCV005019496.2).